The following is an entry in ClinVar:

NM_052988.5(CDK10):c.985+6T>C

Gene: CDK10 (cyclin dependent kinase 10; plus strand). Cytogenetic location: 16q24.3.
Variant type: single nucleotide variant.
Coding change: c.985+6T>C on transcript NM_052988.5 (MANE Select); 6 bases into the intron after coding-DNA position 985, T replaced by C.
Molecular consequence: intron variant.
Genome position (GRCh38, 1-based): chr16:89,695,351, T>C. VCF-style: chr16-89695351-T-C. GRCh37 (hg19) VCF-style: chr16-89761759-T-C.
Other names: c.772+6T>C (NM_001160367.2, NM_052987.4); c.754+6T>C (NM_001098533.3).
Identifiers: ClinVar variation 3999206 (VCV003999206.1).

ClinVar aggregate classification (germline): Uncertain significance (1 of 4 stars; one submission).

Conditions:
Inborn genetic diseases. Identifiers: MedGen C0950123, MeSH D030342.

Submission:

Ambry Genetics
Classification: Uncertain significance for Inborn genetic diseases. Last evaluated: 2025-03-24. Review status: criteria provided, single submitter. Criteria: Ambry Variant Classification Scheme 2023. Collection method: clinical testing. Allele origin: germline.
Comment: The c.985+6T>C intronic alteration consists of a T to C substitution nucleotides after coding exon 12 in the CDK10 gene. Based on insufficient or conflicting evidence, the clinical significance of this alteration remains unclear.